The following is an entry in ClinVar:

NM_004360.5(CDH1):c.182delinsGT (p.Thr61fs)

Gene: CDH1 (cadherin 1; plus strand). Cytogenetic location: 16q22.1.
Variant type: Indel.
Coding change: c.182delinsGT on transcript NM_004360.5 (MANE Select); coding-DNA position 182, C replaced by GT.
Protein change: p.Thr61fs; shifts the reading frame from threonine 61.
Molecular consequence: frameshift variant. On other transcripts: 5 prime UTR variant (2).
Genome position (GRCh38, 1-based): chr16:68,801,688, C replaced by GT. VCF-style: chr16-68801688-C-GT. GRCh37 (hg19) VCF-style: chr16-68835591-C-GT.
Other names: c.182delinsGT, p.Thr61fs (NM_001317184.2); c.-1434delinsGT (NM_001317185.2); c.-1638delinsGT (NM_001317186.2); short protein forms T61fs.
Identifiers: ClinVar variation 2066088 (VCV002066088.4), dbSNP rs2543904562, ClinGen allele CA2580091889.

ClinVar aggregate classification (germline): Pathogenic (1 of 4 stars; one submission).

Conditions:
Hereditary diffuse gastric adenocarcinoma (HDGC). Also called: DIFFUSE GASTRIC AND LOBULAR BREAST CANCER SYNDROME. Identifiers: Orphanet 26106, MedGen C1708349, MONDO:0007648, OMIM 137215.

Submission:

Labcorp Genetics (formerly Invitae), Labcorp
Classification: Pathogenic for Hereditary diffuse gastric adenocarcinoma. Last evaluated: 2024-07-08. Review status: criteria provided, single submitter. Criteria: Invitae Variant Classification Sherloc (09022015). Collection method: clinical testing. Allele origin: germline.
Comment: This sequence change creates a premature translational stop signal (p.Thr61Serfs*33) in the CDH1 gene. It is expected to result in an absent or disrupted protein product. Loss-of-function variants in CDH1 are known to be pathogenic (PMID: 15235021, 20373070). Information on the frequency of this variant in the gnomAD database is not available, as this variant may be reported differently in the database. This variant has not been reported in the literature in individuals affected with CDH1-related conditions. For these reasons, this variant has been classified as Pathogenic.

Literature cited by the submitters: PubMed 15235021; PubMed 20373070.